The following is an entry in ClinVar:

ClinVar aggregate classification (germline): Uncertain significance (1 of 4 stars; one submission).

Conditions:
Sulfite oxidase deficiency. Also called: Isolated sulfite oxidase deficiency. Identifiers: Orphanet 833, Orphanet 99731, MedGen C0268624, MONDO:0010089, OMIM 272300, HP:0003643.

Submission:

Labcorp Genetics (formerly Invitae), Labcorp
Classification: Uncertain significance for Sulfite oxidase deficiency. Last evaluated: 2022-03-23. Review status: criteria provided, single submitter. Criteria: Invitae Variant Classification Sherloc (09022015). Collection method: clinical testing. Allele origin: germline.
Comment: This sequence change replaces glycine, which is neutral and non-polar, with aspartic acid, which is acidic and polar, at codon 65 of the SUOX protein (p.Gly65Asp). This variant is not present in population databases (gnomAD no frequency). This variant has not been reported in the literature in individuals affected with SUOX-related conditions. Algorithms developed to predict the effect of missense changes on protein structure and function are either unavailable or do not agree on the potential impact of this missense change (SIFT: "Tolerated"; PolyPhen-2: "Probably Damaging"; Align-GVGD: "Class C0"). In summary, the available evidence is currently insufficient to determine the role of this variant in disease. Therefore, it has been classified as a Variant of Uncertain Significance.

NM_001032386.2(SUOX):c.194G>A (p.Gly65Asp)

Gene: SUOX (sulfite oxidase; plus strand). Cytogenetic location: 12q13.2.
Variant type: single nucleotide variant.
Coding change: c.194G>A on transcript NM_001032386.2 (MANE Select); coding-DNA position 194, G replaced by A.
Protein change: p.Gly65Asp; replaces glycine 65 with aspartic acid.
Molecular consequence: missense variant.
Genome position (GRCh38, 1-based): chr12:56,002,686, G>A. VCF-style: chr12-56002686-G-A. GRCh37 (hg19) VCF-style: chr12-56396470-G-A.
Other names: c.194G>A, p.Gly65Asp (NM_000456.3, NM_001032387.2); short protein forms G65D.
Identifiers: ClinVar variation 2116109 (VCV002116109.1), dbSNP rs2540574371, ClinGen allele CA385279770.